The following is an entry in ClinVar:

ClinVar aggregate classification (germline): Uncertain significance (1 of 4 stars; one submission).

Conditions:
Lymphoproliferative syndrome 1 (LPFS1). Identifiers: Orphanet 238505, Orphanet 538963, MedGen C3552634, MONDO:0013081, OMIM 613011.

Submission:

Labcorp Genetics (formerly Invitae), Labcorp
Classification: Uncertain significance for Lymphoproliferative syndrome 1. Last evaluated: 2019-05-15. Review status: criteria provided, single submitter. Criteria: Invitae Variant Classification Sherloc (09022015). Collection method: clinical testing. Allele origin: germline.
Comment: This sequence change replaces glutamic acid with valine at codon 137 of the ITK protein (p.Glu137Val). The glutamic acid residue is highly conserved and there is a moderate physicochemical difference between glutamic acid and valine. This variant is not present in population databases (ExAC no frequency). This variant has not been reported in the literature in individuals with ITK-related conditions. Algorithms developed to predict the effect of missense changes on protein structure and function are either unavailable or do not agree on the potential impact of this missense change (SIFT: "Deleterious"; PolyPhen-2: "Possibly Damaging"; Align-GVGD: "Class C15"). Algorithms developed to predict the effect of sequence changes on RNA splicing suggest that this variant may create or strengthen a splice site, but this prediction has not been confirmed by published transcriptional studies. In summary, the available evidence is currently insufficient to determine the role of this variant in disease. Therefore, it has been classified as a Variant of Uncertain Significance.

NM_005546.4(ITK):c.410A>T (p.Glu137Val)

Gene: ITK (IL2 inducible T cell kinase; plus strand). Cytogenetic location: 5q33.3.
Variant type: single nucleotide variant.
Coding change: c.410A>T on transcript NM_005546.4 (MANE Select); coding-DNA position 410, A replaced by T.
Protein change: p.Glu137Val; replaces glutamic acid 137 with valine.
Molecular consequence: missense variant.
Genome position (GRCh38, 1-based): chr5:157,214,275, A>T. VCF-style: chr5-157214275-A-T. GRCh37 (hg19) VCF-style: chr5-156641286-A-T.
Other names: short protein forms E137V.
Identifiers: ClinVar variation 854839 (VCV000854839.1), dbSNP rs75593900, ClinGen allele CA361951027.